The following is an entry in ClinVar:

ClinVar aggregate classification (germline): Uncertain significance (1 of 4 stars; one submission).

Allele frequency attached by ClinVar (database versions not stated): gnomAD exomes below 0.00001; TOPMed 0.00002; gnomAD 0.00005; ESP Exome Variant Server 0.00008.
gnomAD v4.1: 11 of 1,614,054 alleles (0.00068%); highest among the groups gnomAD compares: African/African-American, 0.012%; no homozygotes.

Submission:

Labcorp Genetics (formerly Invitae), Labcorp
Classification: Uncertain significance. Last evaluated: 2023-11-28. Review status: criteria provided, single submitter. Criteria: Invitae Variant Classification Sherloc (09022015). Collection method: clinical testing. Allele origin: germline.
Comment: This sequence change replaces valine, which is neutral and non-polar, with methionine, which is neutral and non-polar, at codon 181 of the GNB3 protein (p.Val181Met). This variant is present in population databases (rs147291332, gnomAD 0.02%). This variant has not been reported in the literature in individuals affected with GNB3-related conditions. ClinVar contains an entry for this variant (Variation ID: 938686). Advanced modeling of protein sequence and biophysical properties (such as structural, functional, and spatial information, amino acid conservation, physicochemical variation, residue mobility, and thermodynamic stability) performed at Invitae indicates that this missense variant is not expected to disrupt GNB3 protein function with a negative predictive value of 80%. In summary, the available evidence is currently insufficient to determine the role of this variant in disease. Therefore, it has been classified as a Variant of Uncertain Significance.

NM_002075.4(GNB3):c.541G>A (p.Val181Met)

Gene: GNB3 (G protein subunit beta 3; plus strand). Cytogenetic location: 12p13.31.
Variant type: single nucleotide variant.
Coding change: c.541G>A on transcript NM_002075.4 (MANE Select); coding-DNA position 541, G replaced by A.
Protein change: p.Val181Met; replaces valine 181 with methionine.
Molecular consequence: missense variant.
Genome position (GRCh38, 1-based): chr12:6,843,820, G>A. VCF-style: chr12-6843820-G-A. GRCh37 (hg19) VCF-style: chr12-6952984-G-A.
Other names: c.538G>A, p.Val180Met (NM_001297571.2); short protein forms V181M, V180M.
Identifiers: ClinVar variation 938686 (VCV000938686.9), dbSNP rs147291332, ClinGen allele CA6417574.